The following is an entry in ClinVar:

ClinVar aggregate classification (germline): Likely benign (0 of 4 stars; one submission).

Conditions:
MATR3-related disorder. Also called: MATR3-related condition.

Submission:

PreventionGenetics, part of Exact Sciences
Classification: Likely benign for MATR3-related condition. Last evaluated: 2022-05-16. Review status: no assertion criteria provided. Collection method: clinical testing. Allele origin: germline.
Comment: This variant is classified as likely benign based on ACMG/AMP sequence variant interpretation guidelines (Richards et al. 2015 PMID: 25741868, with internal and published modifications).

NM_018834.6(MATR3):c.1602+7_1602+8insTG

Gene: MATR3 (matrin 3; plus strand). Cytogenetic location: 5q31.2.
Variant type: Insertion.
Coding change: c.1602+7_1602+8insTG on transcript NM_018834.6 (MANE Select); bases 7 to 8 of the intron after coding-DNA position 1602, TG inserted.
Molecular consequence: intron variant.
Genome position: GRCh38 VCF-style: chr5-139319508-T-TTG. GRCh37 (hg19) VCF-style: chr5-138655197-T-TTG.
Other names: c.1602+7_1602+8insTG (NM_001400451.1, NM_001400450.1, NM_001400441.1 and 16 more transcripts); c.741+7_741+8insTG (NM_001400459.1); c.588+7_588+8insTG (NM_001400463.1, NM_001400460.1, NM_001282278.2 and 5 more transcripts); c.702+7_702+8insTG (NM_001400461.1); c.738+7_738+8insTG (NM_001194956.2).
Identifiers: ClinVar variation 3046518 (VCV003046518.2), dbSNP rs2546836764, ClinGen allele CA1082111432.